The following is an entry in ClinVar:

ClinVar aggregate classification (germline): Uncertain significance (1 of 4 stars; one submission).

Conditions:
Cardiovascular phenotype. Identifiers: MedGen CN230736.

Submission:

Ambry Genetics
Classification: Uncertain significance for Cardiovascular phenotype. Last evaluated: 2025-02-22. Review status: criteria provided, single submitter. Criteria: Ambry Variant Classification Scheme 2023. Collection method: clinical testing. Allele origin: germline.
Comment: The p.T394N variant (also known as c.1181C>A), located in coding exon 9 of the DSC2 gene, results from a C to A substitution at nucleotide position 1181. The threonine at codon 394 is replaced by asparagine, an amino acid with similar properties. This amino acid position is conserved. In addition, this alteration is predicted to be tolerated by in silico analysis. Based on the available evidence, the clinical significance of this variant remains unclear.

NM_024422.6(DSC2):c.1181C>A (p.Thr394Asn)

Gene: DSC2 (desmocollin 2; minus strand). Cytogenetic location: 18q12.1.
Variant type: single nucleotide variant.
Coding change: c.1181C>A on transcript NM_024422.6 (MANE Select); coding-DNA position 1181, C replaced by A.
Protein change: p.Thr394Asn; replaces threonine 394 with asparagine.
Molecular consequence: missense variant.
Genome position (GRCh38, 1-based): chr18:31,082,320, G>T on the plus strand (C>A on the coding strand, the complement: DSC2 is on the minus strand). VCF-style: chr18-31082320-G-T. GRCh37 (hg19) VCF-style: chr18-28662286-G-T.
Other names: c.752C>A, p.Thr251Asn (NM_001406506.1, NM_001406507.1); c.1181C>A, p.Thr394Asn (NM_004949.5); short protein forms T394N, T251N.
Identifiers: ClinVar variation 3842525 (VCV003842525.1).